The following is an entry in ClinVar:

NM_032806.6(POMGNT2):c.820_821del (p.Lys274fs)

Gene: POMGNT2 (protein O-linked mannose N-acetylglucosaminyltransferase 2 (beta 1,4-); minus strand). Cytogenetic location: 3p22.1.
Variant type: Deletion.
Coding change: c.820_821del on transcript NM_032806.6 (MANE Select); coding-DNA positions 820 to 821, 2 bases deleted (AA; older notation c.820_821delAA).
Protein change: p.Lys274fs; shifts the reading frame from lysine 274.
Molecular consequence: frameshift variant.
Genome position (GRCh38, 1-based): chr3:43,080,611-43,080,612, TT deleted on the plus strand (AA on the coding strand, the reverse complement: POMGNT2 is on the minus strand); deleting any 2 consecutive bases within chr3:43,080,611-43,080,614 gives the same sequence; the c. name uses the placement nearest the transcript's 3' end. VCF-style (leftmost placement, unchanged base first): chr3-43080610-CTT-C. GRCh37 (hg19) VCF-style: chr3-43122102-CTT-C.
Other names: short protein forms K274fs.
Identifiers: ClinVar variation 1452812 (VCV001452812.8), dbSNP rs2125700249, ClinGen allele CA2573136965.

ClinVar aggregate classification (germline): Pathogenic (1 of 4 stars; one submission).

Conditions:
Muscular dystrophy-dystroglycanopathy (congenital with brain and eye anomalies), type a, 8 (MDDGA8). Also called: WALKER-WARBURG SYNDROME OR MUSCLE-EYE-BRAIN DISEASE, GTDC2-RELATED. Identifiers: Orphanet 899, MedGen C3553813, MONDO:0013904, OMIM 614830.

Submission:

Labcorp Genetics (formerly Invitae), Labcorp
Classification: Pathogenic for Muscular dystrophy-dystroglycanopathy (congenital with brain and eye anomalies), type a, 8. Last evaluated: 2022-02-05. Review status: criteria provided, single submitter. Criteria: Invitae Variant Classification Sherloc (09022015). Collection method: clinical testing. Allele origin: germline.
Comment: This variant disrupts a region of the POMGNT2 protein in which other variant(s) (p.Gln348*) have been determined to be pathogenic (Invitae). This suggests that this is a clinically significant region of the protein, and that variants that disrupt it are likely to be disease-causing. For these reasons, this variant has been classified as Pathogenic. This variant has not been reported in the literature in individuals affected with POMGNT2-related conditions. This variant is not present in population databases (gnomAD no frequency). This sequence change creates a premature translational stop signal (p.Lys274Alafs*19) in the POMGNT2 gene. While this is not anticipated to result in nonsense mediated decay, it is expected to disrupt the last 307 amino acid(s) of the POMGNT2 protein.